The following is an entry in ClinVar:

ClinVar aggregate classification (germline): Uncertain significance (1 of 4 stars; one submission).

Conditions:
ALG9 congenital disorder of glycosylation (CDG1L). Also called: CONGENITAL DISORDER OF GLYCOSYLATION, TYPE Il; CDG Il; ALG9-CDG. Identifiers: Orphanet 79328, MedGen C2931006, MONDO:0012117, OMIM 608776.

Submission:

Labcorp Genetics (formerly Invitae), Labcorp
Classification: Uncertain significance for ALG9 congenital disorder of glycosylation. Last evaluated: 2022-07-15. Review status: criteria provided, single submitter. Criteria: Invitae Variant Classification Sherloc (09022015). Collection method: clinical testing. Allele origin: germline.
Comment: This sequence change affects codon 93 of the ALG9 mRNA. It is a 'silent' change, meaning that it does not change the encoded amino acid sequence of the ALG9 protein. This variant is not present in population databases (gnomAD no frequency). This variant has not been reported in the literature in individuals affected with ALG9-related conditions. Experimental studies and prediction algorithms are not available or were not evaluated, and the effect of this variant on mRNA splicing is currently unknown. In summary, the available evidence is currently insufficient to determine the role of this variant in disease. Therefore, it has been classified as a Variant of Uncertain Significance.

NM_024740.2(ALG9):c.279C>T (p.Tyr93=)

Gene: ALG9 (ALG9 alpha-1,2-mannosyltransferase; minus strand). Cytogenetic location: 11q23.1.
Variant type: single nucleotide variant.
Coding change: c.279C>T on transcript NM_024740.2 (MANE Select); coding-DNA position 279, C replaced by T.
Protein change: p.Tyr93=; no amino-acid change (tyrosine 93 retained).
Molecular consequence: synonymous variant. On other transcripts: 5 prime UTR variant (15), non-coding transcript variant (1).
Genome position (GRCh38, 1-based): chr11:111,868,728, G>A on the plus strand (C>T on the coding strand, the complement: ALG9 is on the minus strand). VCF-style: chr11-111868728-G-A. GRCh37 (hg19) VCF-style: chr11-111739451-G-A.
Other names: c.279C>T, p.Tyr93= (NM_001077690.1, NM_001352417.1, NM_001352418.1); c.-235C>T (NM_001077691.2, NM_001077692.2, NM_001352409.1 and 11 more transcripts); c.-453C>T (NM_001352422.2).
Identifiers: ClinVar variation 2017320 (VCV002017320.1), dbSNP rs2497704836, ClinGen allele CA2580083252.